The following is an entry in ClinVar:

ClinVar aggregate classification (germline): Uncertain significance (1 of 4 stars; one submission).

Submission:

GeneDx
Classification: Uncertain significance. Last evaluated: 2025-04-09. Review status: criteria provided, single submitter. Criteria: GeneDx Variant Classification Process June 2021. Collection method: clinical testing. Allele origin: germline.
Comment: Not observed at significant frequency in large population cohorts (gnomAD); Nonsense variant predicted to result in protein truncation or nonsense mediated decay in a gene or region of a gene for which loss of function is not a well-established mechanism of disease; Has not been previously published as pathogenic or benign to our knowledge

NM_001135146.2(SLC39A8):c.524C>G (p.Ser175Ter)

Gene: SLC39A8 (solute carrier family 39 member 8; minus strand). Cytogenetic location: 4q24.
Variant type: single nucleotide variant.
Coding change: c.524C>G on transcript NM_001135146.2 (MANE Select); coding-DNA position 524, C replaced by G.
Protein change: p.Ser175Ter; replaces serine 175 with a stop codon.
Molecular consequence: nonsense.
Genome position (GRCh38, 1-based): chr4:102,307,464, G>C on the plus strand (C>G on the coding strand, the complement: SLC39A8 is on the minus strand). VCF-style: chr4-102307464-G-C. GRCh37 (hg19) VCF-style: chr4-103228621-G-C.
Other names: c.524C>G, p.Ser175Ter (NM_001135147.1, NM_022154.5); c.323C>G, p.Ser108Ter (NM_001135148.2); short protein forms S108*, S175*.
Identifiers: ClinVar variation 2580425 (VCV002580425.2), dbSNP rs2476454136, ClinGen allele CA357753790.